The following is an entry in ClinVar:

NM_001330288.2(SMARCC2):c.863G>A (p.Arg288Gln)

Gene: SMARCC2 (SWI/SNF related BAF chromatin remodeling complex subunit C2; minus strand). Cytogenetic location: 12q13.2.
Variant type: single nucleotide variant.
Coding change: c.863G>A on transcript NM_001330288.2 (MANE Select); coding-DNA position 863, G replaced by A.
Protein change: p.Arg288Gln; replaces arginine 288 with glutamine.
Molecular consequence: missense variant.
Genome position (GRCh38, 1-based): chr12:56,181,575, C>T on the plus strand (G>A on the coding strand, the complement: SMARCC2 is on the minus strand). VCF-style: chr12-56181575-C-T. GRCh37 (hg19) VCF-style: chr12-56575359-C-T.
Other names: c.863G>A, p.Arg288Gln (NM_001130420.3, NM_003075.5, NM_139067.4); short protein forms R288Q.
Identifiers: ClinVar variation 3798976 (VCV003798976.2).

ClinVar aggregate classification (germline): Uncertain significance. Review status: criteria provided, multiple submitters, no conflicts (2 of 4 stars). 2 submissions from 2 submitters: Uncertain significance (2). Last evaluated 2025-08-18.

Conditions:
Inborn genetic diseases. Identifiers: MedGen C0950123, MeSH D030342.
Generalized hypotonia. Identifiers: MedGen C1858120, HP:0001290.

gnomAD v4.1: 1 of 1,594,030 alleles (0.000063%); highest among the groups gnomAD compares: Admixed American, 0.0017%; no homozygotes.

Submissions (2):

Clinical Genetics Laboratory, Skane University Hospital Lund
Classification: Uncertain significance for Generalized hypotonia. Last evaluated: 2025-08-18. Review status: criteria provided, single submitter. Criteria: ACMG Guidelines, 2015. Collection method: clinical testing. Allele origin: de novo. Affected: yes.
Comment: ACMG criteria used: PS2_Moderate (Phenotype consistent with gene but not highly specific), PM2, BP4.

Ambry Genetics
Classification: Uncertain significance for Inborn genetic diseases. Last evaluated: 2024-12-16. Review status: criteria provided, single submitter. Criteria: Ambry Variant Classification Scheme 2023. Collection method: clinical testing. Allele origin: germline.